The following is an entry in ClinVar:

ClinVar aggregate classification (germline): Conflicting classifications of pathogenicity. Review status: criteria provided, conflicting classifications (1 of 4 stars). 2 submissions from 2 submitters: Uncertain significance (1); Likely benign (1). Last evaluated 2024-08-31.

Conditions:
Arrhythmogenic right ventricular dysplasia 10. Also called: Arrhythmogenic Right Ventricular Dysplasia/Cardiomyopathy10; ARRHYTHMOGENIC RIGHT VENTRICULAR DYSPLASIA, FAMILIAL, 10; Arrhythmogenic right ventricular dysplasia/cardiomyopathy, type 10. Identifiers: MedGen C1857777, MONDO:0012434, OMIM 610193.
Cardiovascular phenotype. Identifiers: MedGen CN230736.

gnomAD v4.1: 2 of 1,613,914 alleles (0.00012%); highest among the groups gnomAD compares: Non-Finnish European, 0.00017%; no homozygotes.

Submissions (2):

Ambry Genetics
Classification: Likely benign for Cardiovascular phenotype. Last evaluated: 2024-08-31. Review status: criteria provided, single submitter. Criteria: Ambry Variant Classification Scheme 2023. Collection method: clinical testing. Allele origin: germline.

Labcorp Genetics (formerly Invitae), Labcorp
Classification: Uncertain significance for Arrhythmogenic right ventricular dysplasia 10. Last evaluated: 2024-02-12. Review status: criteria provided, single submitter. Criteria: Invitae Variant Classification Sherloc (09022015). Collection method: clinical testing. Allele origin: germline.
Comment: This sequence change replaces glutamine, which is neutral and polar, with histidine, which is basic and polar, at codon 677 of the DSG2 protein (p.Gln677His). This variant is not present in population databases (gnomAD no frequency). This variant has not been reported in the literature in individuals affected with DSG2-related conditions. Advanced modeling of protein sequence and biophysical properties (such as structural, functional, and spatial information, amino acid conservation, physicochemical variation, residue mobility, and thermodynamic stability) performed at Invitae indicates that this missense variant is not expected to disrupt DSG2 protein function with a negative predictive value of 95%. In summary, the available evidence is currently insufficient to determine the role of this variant in disease. Therefore, it has been classified as a Variant of Uncertain Significance.

NM_001943.5(DSG2):c.2031A>C (p.Gln677His)

Genes: DSG2 (desmoglein 2; plus strand), DSG2-AS1 (DSG2 antisense RNA 1; minus strand). Cytogenetic location: 18q12.1.
Variant type: single nucleotide variant.
Coding change: c.2031A>C on transcript NM_001943.5 (MANE Select); coding-DNA position 2031, A replaced by C.
Protein change: p.Gln677His; replaces glutamine 677 with histidine.
Molecular consequence: missense variant.
Genome position (GRCh38, 1-based): chr18:31,542,549, A>C. VCF-style: chr18-31542549-A-C. GRCh37 (hg19) VCF-style: chr18-29122512-A-C.
Other names: short protein forms Q677H.
Identifiers: ClinVar variation 3505415 (VCV003505415.3).
Genomic context (GRCh38, chr18:31,542,549, plus strand): 5'-ACTCAGTTCTCAGCTGTGTTTGCTCTCACAGGTGGTGCCATCATTTCTGCCAGTGGATCA[A>C]GGGGGCAGTCTAGTAGGAAGAAATGGAGTAGGAGGTATGGCCAAGGAAGCCACGATGAAA-3'
Protein context (NP_001934.2, residues 667-687): KVVPSFLPVD[Gln677His]GGSLVGRNGV